The following is an entry in ClinVar:

NM_005751.5(AKAP9):c.8140A>G (p.Lys2714Glu)

Gene: AKAP9 (A-kinase anchoring protein 9; plus strand). Cytogenetic location: 7q21.2.
Variant type: single nucleotide variant.
Coding change: c.8140A>G on transcript NM_005751.5 (MANE Select); coding-DNA position 8140, A replaced by G.
Protein change: p.Lys2714Glu; replaces lysine 2714 with glutamic acid.
Molecular consequence: missense variant.
Genome position (GRCh38, 1-based): chr7:92,082,642, A>G. VCF-style: chr7-92082642-A-G. GRCh37 (hg19) VCF-style: chr7-91711956-A-G.
Other names: c.2785A>G, p.Lys929Glu (NM_001379277.1); c.8116A>G, p.Lys2706Glu (NM_147185.3); short protein forms K2706E, K2714E, K929E.
Identifiers: ClinVar variation 2751103 (VCV002751103.3), dbSNP rs2535255458, ClinGen allele CA368137441.

ClinVar aggregate classification (germline): Uncertain significance (1 of 4 stars; one submission).

Conditions:
Long QT syndrome (LQTS). Identifiers: MedGen C0023976, MeSH D008133, MONDO:0002442. Disease mechanism: loss of function. Inheritance: Various modes of inheritance.

Submission:

Labcorp Genetics (formerly Invitae), Labcorp
Classification: Uncertain significance for Long QT syndrome. Last evaluated: 2023-08-07. Review status: criteria provided, single submitter. Criteria: Invitae Variant Classification Sherloc (09022015). Collection method: clinical testing. Allele origin: germline.
Comment: In summary, the available evidence is currently insufficient to determine the role of this variant in disease. Therefore, it has been classified as a Variant of Uncertain Significance. Algorithms developed to predict the effect of missense changes on protein structure and function output the following: SIFT: "Not Available"; PolyPhen-2: "Benign"; Align-GVGD: "Not Available". The glutamic acid amino acid residue is found in multiple mammalian species, which suggests that this missense change does not adversely affect protein function. This variant has not been reported in the literature in individuals affected with AKAP9-related conditions. This variant is not present in population databases (gnomAD no frequency). This sequence change replaces lysine, which is basic and polar, with glutamic acid, which is acidic and polar, at codon 2714 of the AKAP9 protein (p.Lys2714Glu).